The following is an entry in ClinVar:

ClinVar aggregate classification (germline): Benign/Likely benign. Review status: criteria provided, multiple submitters, no conflicts (2 of 4 stars). 3 submissions from 3 submitters: Benign (1); Likely benign (2). Last evaluated 2025-12-20.

Allele frequency attached by ClinVar (database versions not stated): ESP Exome Variant Server 0.00065.
gnomAD v4.1: 343 of 1,611,660 alleles (0.021%); highest among the groups gnomAD compares: Admixed American, 0.033%; 1 homozygote.

Submissions (3):

Labcorp Genetics (formerly Invitae), Labcorp
Classification: Benign. Last evaluated: 2025-12-20. Review status: criteria provided, single submitter. Criteria: Invitae Variant Classification Sherloc (09022015). Collection method: clinical testing. Allele origin: germline.

Blueprint Genetics
Classification: Likely benign. Last evaluated: 2024-11-22. Review status: criteria provided, single submitter. Criteria: ACMG Guidelines, 2015. Collection method: clinical testing. Allele origin: germline.

CeGaT Center for Human Genetics Tuebingen
Classification: Likely benign. Last evaluated: 2024-07-01. Review status: criteria provided, single submitter. Criteria: CeGaT Center For Human Genetics Tuebingen Variant Classification Criteria Version 2. Collection method: clinical testing. Allele origin: germline. Affected: yes. Observed: 1 variant allele.
Comment: C7: BP4, BP7

NM_000587.4(C7):c.1452G>T (p.Ala484=)

Gene: C7 (complement C7; plus strand). Cytogenetic location: 5p13.1.
Variant type: single nucleotide variant.
Coding change: c.1452G>T on transcript NM_000587.4 (MANE Select); coding-DNA position 1452, G replaced by T.
Protein change: p.Ala484=; no amino-acid change (alanine 484 retained).
Molecular consequence: synonymous variant.
Genome position (GRCh38, 1-based): chr5:40,958,224, G>T. VCF-style: chr5-40958224-G-T. GRCh37 (hg19) VCF-style: chr5-40958326-G-T.
Identifiers: ClinVar variation 1168824 (VCV001168824.26), dbSNP rs373200862, ClinGen allele CA3249969.